The following is an entry in ClinVar:

NC_000009.11:g.(?_134385419)_(134386714_?)del

Gene: POMT1 (protein O-mannosyltransferase 1; plus strand). Cytogenetic location: 9q34.13.
Variant type: Deletion.
Identifiers: ClinVar variation 3245240 (VCV003245240.1).

ClinVar aggregate classification (germline): Pathogenic (1 of 4 stars; one submission).

Conditions:
Walker-Warburg congenital muscular dystrophy. Also called: Muscular dystrophy-dystroglycanopathy, type A; Walker-Warburg syndrome. Identifiers: Orphanet 899, MedGen C0265221, MONDO:0000171.
Muscular dystrophy-dystroglycanopathy (congenital with impaired intellectual development), type B, 1. Also called: Muscular dystrophy-dystroglycanopathy (congenital with intellectual disability), type B1; MUSCULAR DYSTROPHY, CONGENITAL, POMT1-RELATED. Identifiers: MedGen C5436962, MONDO:0013159, OMIM 613155.
Autosomal recessive limb-girdle muscular dystrophy type 2K. Also called: MUSCULAR DYSTROPHY-DYSTROGLYCANOPATHY (LIMB-GIRDLE), TYPE C, 1; MUSCULAR DYSTROPHY, LIMB-GIRDLE, TYPE 2K. Identifiers: Orphanet 86812, MedGen C1836373, MONDO:0012248, OMIM 609308.

Submission:

Labcorp Genetics (formerly Invitae), Labcorp
Classification: Pathogenic for Muscular dystrophy-dystroglycanopathy (congenital with impaired intellectual development), type B, 1; Walker-Warburg congenital muscular dystrophy; Autosomal recessive limb-girdle muscular dystrophy type 2K. Last evaluated: 2024-01-08. Review status: criteria provided, single submitter. Criteria: Invitae Variant Classification Sherloc (09022015). Collection method: clinical testing. Allele origin: unknown.
Comment: This variant results in the deletion of exon 9 and part of exon 8 (c.735_922-10del) of the POMT1 gene. It is expected to disrupt RNA splicing. Variants that disrupt the donor or acceptor splice site typically lead to a loss of protein function (PMID: 16199547), and loss-of-function variants in POMT1 are known to be pathogenic (PMID: 12369018, 15637732, 16575835). This variant has not been reported in the literature in individuals affected with POMT1-related conditions. This variant disrupts a region of the POMT1 protein in which other variant(s) (p.Pro273Leu) have been determined to be pathogenic (Invitae). This suggests that this is a clinically significant region of the protein, and that variants that disrupt it are likely to be disease-causing. For these reasons, this variant has been classified as Pathogenic.

Literature cited by the submitters: PubMed 16199547; PubMed 12369018; PubMed 15637732; PubMed 16575835.